The following is an entry in ClinVar:

ClinVar aggregate classification (germline): Pathogenic (1 of 4 stars; one submission).

Conditions:
Retinitis pigmentosa 25 (RP25). Identifiers: Orphanet 791, MedGen C1864446, MONDO:0011272, OMIM 602772.

Submission:

Myriad Genetics, Inc.
Classification: Pathogenic for Retinitis pigmentosa 25. Last evaluated: 2024-05-14. Review status: criteria provided, single submitter. Criteria: Myriad Autosomal Dominant, Autosomal Recessive and X-Linked Classification Criteria (2023). Collection method: clinical testing. Allele origin: unknown.
Comment: NM_001142800.1(EYS):c.1519_1520ins10(C507Sfs*6) is expected to be pathogenic in the context of retinitis pigmentosa, EYS-related. This variant is predicted to lead to an abnormal or absent protein product due to the creation of a premature termination codon in EYS, a gene where loss-of-function variants are known to be pathogenic. Please note: this variant was assessed in the context of healthy population screening.

NM_001142800.2(EYS):c.1519_1520insCACTTCTGTG (p.Cys507fs)

Gene: EYS (EGF-like photoreceptor maintenance factor; minus strand). Cytogenetic location: 6q12.
Variant type: Insertion.
Coding change: c.1519_1520insCACTTCTGTG on transcript NM_001142800.2 (MANE Select); coding-DNA positions 1519 to 1520, CACTTCTGTG inserted.
Protein change: p.Cys507fs; shifts the reading frame from cysteine 507.
Molecular consequence: frameshift variant.
Genome position: GRCh38 VCF-style: chr6-65344117-C-CCACAGAAGTG. GRCh37 (hg19) VCF-style: chr6-66054010-C-CCACAGAAGTG.
Other names: c.1519_1520insCACTTCTGTG, p.Cys507fs (NM_001142801.2, NM_001292009.2, NM_198283.2); short protein forms C507fs.
Identifiers: ClinVar variation 5010755 (VCV005010755.1).